The following is an entry in ClinVar:

NM_012293.3(PXDN):c.1498T>C (p.Tyr500His)

Gene: PXDN (peroxidasin; minus strand). Cytogenetic location: 2p25.3.
Variant type: single nucleotide variant.
Coding change: c.1498T>C on transcript NM_012293.3 (MANE Select); coding-DNA position 1498, T replaced by C.
Protein change: p.Tyr500His; replaces tyrosine 500 with histidine.
Molecular consequence: missense variant.
Genome position (GRCh38, 1-based): chr2:1,663,674, A>G on the plus strand (T>C on the coding strand, the complement: PXDN is on the minus strand). VCF-style: chr2-1663674-A-G. GRCh37 (hg19) VCF-style: chr2-1667446-A-G.
Other names: c.1498T>C (NM_012293.1); short protein forms Y500H.
Identifiers: ClinVar variation 659976 (VCV000659976.9), dbSNP rs368890003, ClinGen allele CA1513288.
Genomic context (GRCh38, chr2:1,663,674, plus strand): 5'-GCACAGTCAGGTGGGCCACGACCTTCTGGGAGCCGATGATGTTGACAGCCTGGCATTCGT[A>G]CTGGCCCTGGTCGTGGAGGGCAACACCAGAGATTCTAAGTGTTCCCGATGACAGGACCAG-3'
Protein context (NP_036425.1, residues 490-510): SGVALHDQGQ[Tyr500His]ECQAVNIIGS

ClinVar aggregate classification (germline): Uncertain significance. Review status: criteria provided, multiple submitters, no conflicts (2 of 4 stars). 2 submissions from 2 submitters: Uncertain significance (2). Last evaluated 2024-10-29.

Conditions:
Inborn genetic diseases. Identifiers: MedGen C0950123, MeSH D030342.
Anterior segment dysgenesis 7 (ASGD7). Also called: SCLEROCORNEA WITH OTHER OCULAR ANOMALIES; Anterior segment dysgenesis 7, with sclerocornea. Identifiers: Orphanet 289499, MedGen C3151617, MONDO:0010015, OMIM 269400.

Allele frequency attached by ClinVar (database versions not stated): ExAC 0.00002; gnomAD exomes 0.00002 and 0.00004; gnomAD 0.00003 and 0.00004; TOPMed 0.00005; ESP Exome Variant Server 0.00024.
gnomAD v4.1: 71 of 1,613,890 alleles (0.0044%); highest among the groups gnomAD compares: Non-Finnish European, 0.0056%; no homozygotes.

Submissions (2):

Ambry Genetics
Classification: Uncertain significance for Inborn genetic diseases. Last evaluated: 2024-10-29. Review status: criteria provided, single submitter. Criteria: Ambry Variant Classification Scheme 2023. Collection method: clinical testing. Allele origin: germline.

Labcorp Genetics (formerly Invitae), Labcorp
Classification: Uncertain significance for Anterior segment dysgenesis 7. Last evaluated: 2018-10-11. Review status: criteria provided, single submitter. Criteria: Invitae Variant Classification Sherloc (09022015). Collection method: clinical testing. Allele origin: germline.
Comment: In summary, the available evidence is currently insufficient to determine the role of this variant in disease. Therefore, it has been classified as a Variant of Uncertain Significance. This sequence change replaces tyrosine with histidine at codon 500 of the PXDN protein (p.Tyr500His). The tyrosine residue is highly conserved and there is a moderate physicochemical difference between tyrosine and histidine. This variant is present in population databases (rs368890003, ExAC 0.003%). This variant has not been reported in the literature in individuals with PXDN-related disease. Algorithms developed to predict the effect of missense changes on protein structure and function (SIFT, PolyPhen-2, Align-GVGD) all suggest that this variant is likely to be disruptive, but these predictions have not been confirmed by published functional studies and their clinical significance is uncertain.